The following is an entry in ClinVar:

ClinVar aggregate classification (germline): Likely benign (0 of 4 stars; one submission).

Conditions:
SEMA3F-related disorder. Also called: SEMA3F-related condition.

gnomAD v4.1: 36 of 1,601,328 alleles (0.0022%); highest among the groups gnomAD compares: East Asian, 0.022%; no homozygotes.

Submission:

PreventionGenetics, part of Exact Sciences
Classification: Likely benign for SEMA3F-related condition. Last evaluated: 2024-05-14. Review status: no assertion criteria provided. Collection method: clinical testing. Allele origin: germline.
Comment: This variant is classified as likely benign based on ACMG/AMP sequence variant interpretation guidelines (Richards et al. 2015 PMID: 25741868, with internal and published modifications).

NM_004186.5(SEMA3F):c.457-10G>A

Gene: SEMA3F (semaphorin 3F; plus strand). Cytogenetic location: 3p21.31.
Variant type: single nucleotide variant.
Coding change: c.457-10G>A on transcript NM_004186.5 (MANE Select); 10 bases into the intron before coding-DNA position 457, G replaced by A.
Molecular consequence: intron variant.
Genome position (GRCh38, 1-based): chr3:50,175,086, G>A. VCF-style: chr3-50175086-G-A. GRCh37 (hg19) VCF-style: chr3-50212519-G-A.
Other names: c.252+736G>A (NM_001318798.2); c.456+736G>A (NM_001318800.2).
Identifiers: ClinVar variation 3355498 (VCV003355498.1).